The following is an entry in ClinVar:

NM_001510.4(GRID2):c.2141G>A (p.Arg714Gln)

Gene: GRID2 (glutamate ionotropic receptor delta type subunit 2; plus strand). Cytogenetic location: 4q22.2.
Variant type: single nucleotide variant.
Coding change: c.2141G>A on transcript NM_001510.4 (MANE Select); coding-DNA position 2141, G replaced by A.
Protein change: p.Arg714Gln; replaces arginine 714 with glutamine.
Molecular consequence: missense variant.
Genome position (GRCh38, 1-based): chr4:93,515,359, G>A. VCF-style: chr4-93515359-G-A. GRCh37 (hg19) VCF-style: chr4-94436510-G-A.
Other names: c.1856G>A, p.Arg619Gln (NM_001286838.1); short protein forms R619Q, R714Q.
Identifiers: ClinVar variation 2275090 (VCV002275090.3), dbSNP rs200569056, ClinGen allele CA3012461.
Genomic context (GRCh38, chr4:93,515,359, plus strand): 5'-AAGGACTGAATCCTTTTGAGAGGGACAGCATGTATTCCCAAATGTGGCGGATGATCAACC[G>A]AAGCAATGGATCGGAGAACAATGTTCTGGAGTCCCAGGCAGGCATTCAAAAGGTACTGTC-3'
Protein context (NP_001501.2, residues 704-724): MYSQMWRMIN[Arg714Gln]SNGSENNVLE

ClinVar aggregate classification (germline): Uncertain significance. Review status: criteria provided, multiple submitters, no conflicts (2 of 4 stars). 2 submissions from 2 submitters: Uncertain significance (2). Last evaluated 2025-09-22.

Conditions:
Inborn genetic diseases. Identifiers: MedGen C0950123, MeSH D030342.

Allele frequency attached by ClinVar (database versions not stated): gnomAD exomes 0.00002; TOPMed 0.00002; ExAC 0.00003; gnomAD 0.00004; ESP Exome Variant Server 0.00008; 1000 Genomes Project 30x 0.00016; 1000 Genomes Project 0.00020.
gnomAD v4.1: 34 of 1,613,078 alleles (0.0021%); highest among the groups gnomAD compares: Admixed American, 0.012%; no homozygotes.

Submissions (2):

Labcorp Genetics (formerly Invitae), Labcorp
Classification: Uncertain significance. Last evaluated: 2025-09-22. Review status: criteria provided, single submitter. Criteria: Invitae Variant Classification Sherloc (09022015). Collection method: clinical testing. Allele origin: germline.
Comment: This sequence change replaces arginine, which is basic and polar, with glutamine, which is neutral and polar, at codon 714 of the GRID2 protein (p.Arg714Gln). The frequency data for this variant in the population databases is considered unreliable, as metrics indicate poor data quality at this position in the gnomAD database. This variant has not been reported in the literature in individuals affected with GRID2-related conditions. ClinVar contains an entry for this variant (Variation ID: 2275090). Invitae Evidence Modeling of protein sequence and biophysical properties (such as structural, functional, and spatial information, amino acid conservation, physicochemical variation, residue mobility, and thermodynamic stability) indicates that this missense variant is not expected to disrupt GRID2 protein function with a negative predictive value of 80%. In summary, the available evidence is currently insufficient to determine the role of this variant in disease. Therefore, it has been classified as a Variant of Uncertain Significance.

Ambry Genetics
Classification: Uncertain significance for Inborn genetic diseases. Last evaluated: 2021-08-10. Review status: criteria provided, single submitter. Criteria: Ambry Variant Classification Scheme 2023. Collection method: clinical testing. Allele origin: germline.